The following is an entry in ClinVar:

ClinVar aggregate classification (germline): Pathogenic (1 of 4 stars; one submission).

Conditions:
Hereditary cancer-predisposing syndrome. Also called: Hereditary Cancer Syndrome; Neoplastic Syndromes, Hereditary; Hereditary neoplastic syndrome; Tumor predisposition. Identifiers: Orphanet 140162, MedGen C0027672, MeSH D009386, MONDO:0015356.

Submission:

Ambry Genetics
Classification: Pathogenic for Hereditary cancer-predisposing syndrome. Last evaluated: 2011-11-11. Review status: criteria provided, single submitter. Criteria: Ambry Autosomal Dominant and X-Linked criteria (10/2015). Collection method: clinical testing. Allele origin: germline. Observed: 1 variant allele.
Comment: This alteration is expected to result in loss of function by premature protein truncation or nonsense-mediatedâ€¯mRNAâ€¯decay.â€¯As such, this alteration is interpreted as a disease-causing mutation.

NM_003000.3(SDHB):c.639del (p.Met213fs)

Gene: SDHB (succinate dehydrogenase complex iron sulfur subunit B; minus strand). Cytogenetic location: 1p36.13.
Variant type: Deletion.
Coding change: c.639del on transcript NM_003000.3 (MANE Select); coding-DNA position 639, one base deleted (G; older notation c.639delG).
Protein change: p.Met213fs; shifts the reading frame from methionine 213.
Molecular consequence: frameshift variant.
Genome position (GRCh38, 1-based): chr1:17,023,976, C deleted on the plus strand (G on the coding strand, the reverse complement: SDHB is on the minus strand). VCF-style (leftmost placement, unchanged base first): chr1-17023975-GC-G. GRCh37 (hg19) VCF-style: chr1-17350470-GC-G.
Other names: c.639delG (NM_003000.2); short protein forms M213fs.
Identifiers: ClinVar variation 428915 (VCV000428915.3), dbSNP rs1131691047, ClinGen allele CA645369141.